The following is an entry in ClinVar:

NM_032638.5(GATA2):c.1054del (p.Cys352fs)

Gene: GATA2 (GATA binding protein 2; minus strand). Cytogenetic location: 3q21.3.
Variant type: Deletion.
Coding change: c.1054del on transcript NM_032638.5 (MANE Select); coding-DNA position 1054, one base deleted (T; older notation c.1054delT).
Protein change: p.Cys352fs; shifts the reading frame from cysteine 352.
Molecular consequence: frameshift variant. On other transcripts: intron variant (1).
Genome position (GRCh38, 1-based): chr3:128,481,908, A deleted on the plus strand (T on the coding strand, the reverse complement: GATA2 is on the minus strand); the first of 2 consecutive A bases (chr3:128,481,908-128,481,909); deleting either gives the same sequence. VCF-style (leftmost placement, unchanged base first): chr3-128481907-CA-C. GRCh37 (hg19) VCF-style: chr3-128200750-CA-C.
Other names: c.1054del, p.Cys352fs (NM_001145661.2); c.1018-6del (NM_001145662.1); short protein forms C352fs.
Identifiers: ClinVar variation 1184227 (VCV001184227.1), dbSNP rs2107668739, ClinGen allele CA2499216435.

ClinVar aggregate classification (germline): Pathogenic (1 of 4 stars; one submission).

Conditions:
Deafness-lymphedema-leukemia syndrome. Also called: Emberger syndrome; Lymphedema, primary, with myelodysplasia. Identifiers: Orphanet 3226, MedGen C3279664, MONDO:0013540, OMIM 614038.
GATA2 deficiency with susceptibility to MDS/AML. Identifiers: MedGen CN300066, MONDO:0042982.

Submission:

Molecular Pathology Research Laboratory, SA Pathology
Classification: Pathogenic for GATA2 deficiency with susceptibility to MDS/AML; Deafness-lymphedema-leukemia syndrome. Last evaluated: 2021-07-06. Review status: criteria provided, single submitter. Criteria: ACMG Guidelines, 2015. Collection method: curation. Allele origin: unknown. Inheritance: Autosomal dominant inheritance. Affected: yes. Observed: 1 variant allele.
Comment: PVS1, PS4_Supporting, PM2

Literature cited by the submitters: PubMed 26767875.